The following is an entry in ClinVar:

NM_198252.3(GSN):c.1102C>T (p.Arg368Trp)

Gene: GSN (gelsolin; plus strand). Cytogenetic location: 9q33.2.
Variant type: single nucleotide variant.
Coding change: c.1102C>T on transcript NM_198252.3 (MANE Select); coding-DNA position 1102, C replaced by T.
Protein change: p.Arg368Trp; replaces arginine 368 with tryptophan.
Molecular consequence: missense variant.
Genome position (GRCh38, 1-based): chr9:121,318,791, C>T. VCF-style: chr9-121318791-C-T. GRCh37 (hg19) VCF-style: chr9-124081069-C-T.
Other names: c.1255C>T, p.Arg419Trp (NM_000177.5); c.1102C>T, p.Arg368Trp (NM_001127662.2, NM_001127664.2, NM_001127665.2 and 10 more transcripts); c.1210C>T, p.Arg404Trp (NM_001127663.2); c.1135C>T, p.Arg379Trp (NM_001127666.2, NM_001127667.2, NM_001353063.2 and 13 more transcripts); c.1153C>T, p.Arg385Trp (NM_001258029.2); c.1126C>T, p.Arg376Trp (NM_001258030.2); c.1174C>T, p.Arg392Trp (NM_001353076.2); c.448C>T, p.Arg150Trp (NM_001353078.2); short protein forms R404W, R419W, R379W, R392W, R150W, R368W, R376W, R385W.
Identifiers: ClinVar variation 1914279 (VCV001914279.5), dbSNP rs757987371, ClinGen allele CA5221147.

ClinVar aggregate classification (germline): Uncertain significance (1 of 4 stars; one submission).

Allele frequency attached by ClinVar (database versions not stated): ExAC 0.00002; gnomAD 0.00003; gnomAD exomes 0.00004; TOPMed 0.00004.

Submission:

Labcorp Genetics (formerly Invitae), Labcorp
Classification: Uncertain significance. Last evaluated: 2026-01-06. Review status: criteria provided, single submitter. Criteria: Invitae Variant Classification Sherloc (09022015). Collection method: clinical testing. Allele origin: germline.
Comment: This sequence change replaces arginine, which is basic and polar, with tryptophan, which is neutral and slightly polar, at codon 419 of the GSN protein (p.Arg419Trp). This variant is present in population databases (rs757987371, gnomAD 0.006%). This variant has not been reported in the literature in individuals affected with GSN-related conditions. ClinVar contains an entry for this variant (Variation ID: 1914279). Invitae Evidence Modeling of protein sequence and biophysical properties (such as structural, functional, and spatial information, amino acid conservation, physicochemical variation, residue mobility, and thermodynamic stability) indicates that this missense variant is expected to disrupt GSN protein function with a positive predictive value of 80%. In summary, the available evidence is currently insufficient to determine the role of this variant in disease. Therefore, it has been classified as a Variant of Uncertain Significance.